The following is an entry in ClinVar:

ClinVar aggregate classification (germline): Uncertain significance (1 of 4 stars; one submission).

Conditions:
Hereditary cancer-predisposing syndrome. Also called: Hereditary Cancer Syndrome; Hereditary neoplastic syndrome; Neoplastic Syndromes, Hereditary; Tumor predisposition. Identifiers: Orphanet 140162, MedGen C0027672, MeSH D009386, MONDO:0015356.

Submission:

Ambry Genetics
Classification: Uncertain significance for Hereditary cancer-predisposing syndrome. Last evaluated: 2026-08-12. Review status: criteria provided, single submitter. Criteria: Ambry Variant Classification Scheme 2023. Collection method: clinical testing. Allele origin: germline.
Comment: The p.M449T variant (also known as c.1346T>C), located in coding exon 9 of the PTCH1 gene, results from a T to C substitution at nucleotide position 1346. The methionine at codon 449 is replaced by threonine, an amino acid with similar properties. This amino acid position is conserved. In addition, this alteration is predicted to be deleterious by in silico analysis. Based on the available evidence, the clinical significance of this variant remains unclear.

NM_000264.5(PTCH1):c.1346T>C (p.Met449Thr)

Gene: PTCH1 (patched 1; minus strand). Cytogenetic location: 9q22.32.
Variant type: single nucleotide variant.
Coding change: c.1346T>C on transcript NM_000264.5 (MANE Select); coding-DNA position 1346, T replaced by C.
Protein change: p.Met449Thr; replaces methionine 449 with threonine.
Molecular consequence: missense variant. On other transcripts: non-coding transcript variant (1).
Genome position (GRCh38, 1-based): chr9:95,478,056, A>G on the plus strand (T>C on the coding strand, the complement: PTCH1 is on the minus strand). VCF-style: chr9-95478056-A-G. GRCh37 (hg19) VCF-style: chr9-98240338-A-G.
Other names: c.1148T>C, p.Met383Thr (NM_001083602.3); c.1343T>C, p.Met448Thr (NM_001083603.3); c.893T>C, p.Met298Thr (NM_001083604.3, NM_001083605.3, NM_001083606.3 and 1 more transcripts); c.1346T>C, p.Met449Thr (NM_001354918.2); short protein forms M383T, M448T, M449T, M298T.
Identifiers: ClinVar variation 3784603 (VCV003784603.2).